The following is an entry in ClinVar:

ClinVar aggregate classification (germline): Uncertain significance. Review status: criteria provided, multiple submitters, no conflicts (2 of 4 stars). 2 submissions from 2 submitters: Uncertain significance (2). Last evaluated 2025-10-01.

Conditions:
Cardiovascular phenotype. Identifiers: MedGen CN230736.
Myofibrillar myopathy 4. Also called: Zaspopathy (type). Identifiers: Orphanet 98912, MedGen C4721886, MONDO:0012277, OMIM 609452.

gnomAD v4.1: 1 of 1,610,698 alleles (0.000062%); highest among the groups gnomAD compares: African/African-American, 0.0013%; no homozygotes.

Submissions (2):

Labcorp Genetics (formerly Invitae), Labcorp
Classification: Uncertain significance for Myofibrillar myopathy 4. Last evaluated: 2025-10-01. Review status: criteria provided, single submitter. Criteria: Invitae Variant Classification Sherloc (09022015). Collection method: clinical testing. Allele origin: germline.
Comment: The LDB3 gene has multiple clinically relevant transcripts. This variant occurs in alternate transcript NM_007078.3, and corresponds to NM_001080116.1:c.*10539C>A in the primary transcript. This sequence change replaces alanine, which is neutral and non-polar, with aspartic acid, which is acidic and polar, at codon 365 of the LDB3 protein (p.Ala365Asp). This variant is not present in population databases (gnomAD no frequency). This variant has not been reported in the literature in individuals affected with LDB3-related conditions. Experimental studies and prediction algorithms are not available or were not evaluated, and the functional significance of this variant is currently unknown. In summary, the available evidence is currently insufficient to determine the role of this variant in disease. Therefore, it has been classified as a Variant of Uncertain Significance.

Ambry Genetics
Classification: Uncertain significance for Cardiovascular phenotype. Last evaluated: 2022-12-19. Review status: criteria provided, single submitter. Criteria: Ambry Variant Classification Scheme 2023. Collection method: clinical testing. Allele origin: germline.
Comment: The p.A365D variant (also known as c.1094C>A), located in coding exon 8 of the LDB3 gene, results from a C to A substitution at nucleotide position 1094. The alanine at codon 365 is replaced by aspartic acid, an amino acid with dissimilar properties. This amino acid position is conserved. In addition, this alteration is predicted to be tolerated by in silico analysis. Since supporting evidence is limited at this time, the clinical significance of this alteration remains unclear.

NM_007078.3(LDB3):c.1094C>A (p.Ala365Asp)

Gene: LDB3 (LIM domain binding 3; plus strand). Cytogenetic location: 10q23.2.
Variant type: single nucleotide variant.
Coding change: c.1094C>A on transcript NM_007078.3 (MANE Select); coding-DNA position 1094, C replaced by A.
Protein change: p.Ala365Asp; replaces alanine 365 with aspartic acid.
Molecular consequence: missense variant.
Genome position (GRCh38, 1-based): chr10:86,709,913, C>A. VCF-style: chr10-86709913-C-A. GRCh37 (hg19) VCF-style: chr10-88469670-C-A.
Other names: c.764C>A, p.Ala255Asp (NM_001080114.2); c.1109C>A, p.Ala370Asp (NM_001171610.2); c.905C>A, p.Ala302Asp (NM_001368064.1, NM_001368065.1); c.953C>A, p.Ala318Asp (NM_001368066.1); short protein forms A365D, A255D, A318D, A370D, A302D.
Identifiers: ClinVar variation 2449065 (VCV002449065.3), dbSNP rs747011937, ClinGen allele CA377448211.